The following is an entry in ClinVar:

ClinVar aggregate classification (germline): Likely pathogenic (1 of 4 stars; one submission).

Conditions:
Fanconi anemia (FA). Also called: Fanconi's anemia. Identifiers: Orphanet 84, MedGen C0015625, MeSH D005199, MONDO:0019391.

Submission:

Labcorp Genetics (formerly Invitae), Labcorp
Classification: Likely pathogenic for Fanconi anemia. Last evaluated: 2023-12-31. Review status: criteria provided, single submitter. Criteria: Invitae Variant Classification Sherloc (09022015). Collection method: clinical testing. Allele origin: germline.
Comment: This sequence change replaces arginine, which is basic and polar, with proline, which is neutral and non-polar, at codon 435 of the FANCA protein (p.Arg435Pro). This variant is not present in population databases (gnomAD no frequency). This variant has not been reported in the literature in individuals affected with FANCA-related conditions. ClinVar contains an entry for this variant (Variation ID: 1492421). Advanced modeling of protein sequence and biophysical properties (such as structural, functional, and spatial information, amino acid conservation, physicochemical variation, residue mobility, and thermodynamic stability) performed at Invitae indicates that this missense variant is expected to disrupt FANCA protein function with a positive predictive value of 80%. This variant disrupts the p.Arg435 amino acid residue in FANCA. Other variant(s) that disrupt this residue have been determined to be pathogenic (PMID: 10090479, 11739169, 15523645, 28102861). This suggests that this residue is clinically significant, and that variants that disrupt this residue are likely to be disease-causing. In summary, the currently available evidence indicates that the variant is pathogenic, but additional data are needed to prove that conclusively. Therefore, this variant has been classified as Likely Pathogenic.

Literature cited by the submitters: PubMed 10090479; PubMed 11739169; PubMed 15523645; PubMed 28102861.

NM_000135.4(FANCA):c.1304G>C (p.Arg435Pro)

Gene: FANCA (FA complementation group A; minus strand). Cytogenetic location: 16q24.3.
Variant type: single nucleotide variant.
Coding change: c.1304G>C on transcript NM_000135.4 (MANE Select); coding-DNA position 1304, G replaced by C.
Protein change: p.Arg435Pro; replaces arginine 435 with proline.
Molecular consequence: missense variant.
Genome position (GRCh38, 1-based): chr16:89,791,458, C>G on the plus strand (G>C on the coding strand, the complement: FANCA is on the minus strand). VCF-style: chr16-89791458-C-G. GRCh37 (hg19) VCF-style: chr16-89857866-C-G.
Other names: c.1304G>C, p.Arg435Pro (NM_001286167.3); short protein forms R435P.
Identifiers: ClinVar variation 1492421 (VCV001492421.8), dbSNP rs1060501879, ClinGen allele CA397463964.